The following is an entry in ClinVar:

ClinVar aggregate classification (germline): Likely benign. Review status: criteria provided, multiple submitters, no conflicts (2 of 4 stars). 2 submissions from 2 submitters: Likely benign (2). Last evaluated 2021-02-23.

Allele frequency attached by ClinVar (database versions not stated): gnomAD 0.00001; gnomAD exomes 0.00001; TOPMed 0.00001.
gnomAD v4.1: 15 of 1,582,560 alleles (0.00095%); highest among the groups gnomAD compares: South Asian, 0.0035%; no homozygotes.

Submissions (2):

Blueprint Genetics
Classification: Likely benign. Last evaluated: 2021-02-23. Review status: criteria provided, single submitter. Criteria: ACMG Guidelines, 2015. Collection method: clinical testing. Allele origin: germline.

GeneDx
Classification: Likely benign. Last evaluated: 2017-05-22. Review status: criteria provided, single submitter. Criteria: GeneDx Variant Classification (06012015). Collection method: clinical testing. Allele origin: germline. Affected: yes.
Comment: This variant is considered likely benign or benign based on one or more of the following criteria: it is a conservative change, it occurs at a poorly conserved position in the protein, it is predicted to be benign by multiple in silico algorithms, and/or has population frequency not consistent with disease.

NM_001395413.1(POR):c.1422G>A (p.Val474=)

Gene: POR (cytochrome p450 oxidoreductase; plus strand). Cytogenetic location: 7q11.23.
Variant type: single nucleotide variant.
Coding change: c.1422G>A on transcript NM_001395413.1 (MANE Select); coding-DNA position 1422, G replaced by A.
Protein change: p.Val474=; no amino-acid change (valine 474 retained).
Molecular consequence: synonymous variant.
Genome position (GRCh38, 1-based): chr7:75,985,611, G>A. VCF-style: chr7-75985611-G-A. GRCh37 (hg19) VCF-style: chr7-75614929-G-A.
Other names: c.1422G>A, p.Val474= (NM_001367562.3, NM_001382657.2, NM_001382658.3 and 1 more transcripts); c.1476G>A, p.Val492= (NM_001382655.3); c.1272G>A, p.Val424= (NM_001382662.3).
Identifiers: ClinVar variation 509678 (VCV000509678.3), dbSNP rs1204517915, ClinGen allele CA456075874.